The following is an entry in ClinVar:

ClinVar aggregate classification (germline): Uncertain significance (1 of 4 stars; one submission).

Conditions:
ABCA7-related disorder. Also called: ABCA7-related condition.

Submission:

PreventionGenetics, part of Exact Sciences
Classification: Uncertain significance for ABCA7-related condition. Last evaluated: 2025-09-09. Review status: criteria provided, single submitter. Criteria: ACMG Guidelines, 2015. Collection method: clinical testing. Allele origin: germline.
Comment: The ABCA7 c.5738delT variant is predicted to result in a frameshift and premature protein termination (p.Leu1913Argfs*66). To our knowledge, this variant has not been reported in the literature or in a large population database (gnomAD), indicating this variant is rare. Loss of function is not an established mechanism of ABCA7-related disease. Although we suspect that this variant may be pathogenic, at this time, the clinical significance of this variant is uncertain due to the absence of conclusive functional and genetic evidence.

NM_019112.4(ABCA7):c.5738del (p.Leu1913fs)

Gene: ABCA7 (ATP binding cassette subfamily A member 7; plus strand). Cytogenetic location: 19p13.3.
Variant type: Deletion.
Coding change: c.5738del on transcript NM_019112.4 (MANE Select); coding-DNA position 5738, one base deleted (T; older notation c.5738delT).
Protein change: p.Leu1913fs; shifts the reading frame from leucine 1913.
Molecular consequence: frameshift variant.
Genome position (GRCh38, 1-based): chr19:1,063,569, T deleted. VCF-style (leftmost placement, unchanged base first): chr19-1063568-CT-C. GRCh37 (hg19) VCF-style: chr19-1063567-CT-C.
Other names: short protein forms L1913fs.
Identifiers: ClinVar variation 4988423 (VCV004988423.1).